The following is an entry in ClinVar:

ClinVar aggregate classification (germline): Uncertain significance. Review status: criteria provided, multiple submitters, no conflicts (2 of 4 stars). 2 submissions from 2 submitters: Uncertain significance (2). Last evaluated 2024-07-16.

Allele frequency attached by ClinVar (database versions not stated): gnomAD exomes 0.00001 and 0.00002; ExAC 0.00002; gnomAD 0.00002; TOPMed 0.00003.

Submissions (2):

Labcorp Genetics (formerly Invitae), Labcorp
Classification: Uncertain significance. Last evaluated: 2024-07-16. Review status: criteria provided, single submitter. Criteria: Invitae Variant Classification Sherloc (09022015). Collection method: clinical testing. Allele origin: germline.
Comment: This sequence change replaces alanine, which is neutral and non-polar, with threonine, which is neutral and polar, at codon 354 of the OPHN1 protein (p.Ala354Thr). This variant is present in population databases (rs775368827, gnomAD 0.004%), including at least one homozygous and/or hemizygous individual. This variant has not been reported in the literature in individuals affected with OPHN1-related conditions. ClinVar contains an entry for this variant (Variation ID: 595527). An algorithm developed to predict the effect of missense changes on protein structure and function (PolyPhen-2) suggests that this variant is likely to be tolerated. In summary, the available evidence is currently insufficient to determine the role of this variant in disease. Therefore, it has been classified as a Variant of Uncertain Significance.

Eurofins Ntd Llc (ga)
Classification: Uncertain significance. Last evaluated: 2018-01-10. Review status: criteria provided, single submitter. Criteria: EGL Classification Definitions 2015. Collection method: clinical testing. Allele origin: germline. Observed: 1 variant allele, 1 hemizygote.

NM_002547.3(OPHN1):c.1060G>A (p.Ala354Thr)

Gene: OPHN1 (oligophrenin 1; minus strand). Cytogenetic location: Xq12.
Variant type: single nucleotide variant.
Coding change: c.1060G>A on transcript NM_002547.3 (MANE Select); coding-DNA position 1060, G replaced by A.
Protein change: p.Ala354Thr; replaces alanine 354 with threonine.
Molecular consequence: missense variant.
Genome position (GRCh38, 1-based): chrX:68,197,230, C>T on the plus strand (G>A on the coding strand, the complement: OPHN1 is on the minus strand). VCF-style: chrX-68197230-C-T. GRCh37 (hg19) VCF-style: chrX-67417072-C-T.
Other names: short protein forms A354T.
Identifiers: ClinVar variation 595527 (VCV000595527.7), dbSNP rs775368827, ClinGen allele CA10436988.